The following is an entry in ClinVar:

NM_018489.3(ASH1L):c.5439C>T (p.Tyr1813=)

Gene: ASH1L (ASH1 like histone lysine methyltransferase; minus strand). Cytogenetic location: 1q22.
Variant type: single nucleotide variant.
Coding change: c.5439C>T on transcript NM_018489.3 (MANE Select); coding-DNA position 5439, C replaced by T.
Protein change: p.Tyr1813=; no amino-acid change (tyrosine 1813 retained).
Molecular consequence: synonymous variant.
Genome position (GRCh38, 1-based): chr1:155,438,716, G>A on the plus strand (C>T on the coding strand, the complement: ASH1L is on the minus strand). VCF-style: chr1-155438716-G-A. GRCh37 (hg19) VCF-style: chr1-155408507-G-A.
Other names: c.5439C>T, p.Tyr1813= (NM_001366177.2); c.5439C>T (NM_018489.2).
Identifiers: ClinVar variation 2639413 (VCV002639413.26), dbSNP rs368897622, ClinGen allele CA1146746.

ClinVar aggregate classification (germline): Likely benign. Review status: criteria provided, multiple submitters, no conflicts (2 of 4 stars). 3 submissions from 3 submitters: Likely benign (3). Last evaluated 2026-02-01.

Conditions:
ASH1L-related disorder. Also called: ASH1L-related condition.

Allele frequency attached by ClinVar (database versions not stated): TOPMed 0.00017; gnomAD 0.00022; ESP Exome Variant Server 0.00023; gnomAD exomes 0.00030; ExAC 0.00040.
gnomAD v4.1: 467 of 1,613,962 alleles (0.029%); highest among the groups gnomAD compares: South Asian, 0.15%; no homozygotes.

Submissions (3):

CeGaT Center for Human Genetics Tuebingen
Classification: Likely benign. Last evaluated: 2026-02-01. Review status: criteria provided, single submitter. Criteria: CeGaT Center For Human Genetics Tuebingen Variant Classification Criteria Version 2. Collection method: clinical testing. Allele origin: germline. Affected: yes. Observed: 5 variant alleles.
Comment: ASH1L: BP4, BP7

PreventionGenetics, part of Exact Sciences
Classification: Likely benign for ASH1L-related condition. Last evaluated: 2025-07-05. Review status: criteria provided, single submitter. Criteria: ACMG Guidelines, 2015. Collection method: clinical testing. Allele origin: germline.
Comment: This variant is classified as likely benign based on ACMG/AMP sequence variant interpretation guidelines (Richards et al. 2015 PMID: 25741868, with internal and published modifications).

Blueprint Genetics
Classification: Likely benign. Last evaluated: 2024-11-25. Review status: criteria provided, single submitter. Criteria: ACMG Guidelines, 2015. Collection method: clinical testing. Allele origin: germline.